The following is an entry in ClinVar:

ClinVar aggregate classification (germline): Likely benign (1 of 4 stars; one submission).

Conditions:
Hereditary pheochromocytoma and paraganglioma. Also called: Hereditary Paraganglioma-Pheochromocytoma Syndromes; Hereditary paragangliomas and pheochromocytomas; Hereditary pheochromocytoma-paraganglioma. Identifiers: Orphanet 29072, MedGen C4274332, MONDO:0017366.

Submission:

Myriad Genetics, Inc.
Classification: Likely benign for Hereditary pheochromocytoma and paraganglioma. Last evaluated: 2026-07-28. Review status: criteria provided, single submitter. Criteria: Myriad Autosomal Dominant, Autosomal Recessive and X-Linked Classification Criteria (2023). Collection method: clinical testing. Allele origin: unknown.
Comment: This variant is considered likely benign. This variant is intronic and is not expected to impact mRNA splicing.

NM_017849.4(TMEM127):c.409+6C>T

Gene: TMEM127 (transmembrane protein 127; minus strand). Cytogenetic location: 2q11.2.
Variant type: single nucleotide variant.
Coding change: c.409+6C>T on transcript NM_017849.4 (MANE Select); 6 bases into the intron after coding-DNA position 409, C replaced by T.
Molecular consequence: intron variant.
Genome position (GRCh38, 1-based): chr2:96,254,827, G>A on the plus strand (C>T on the coding strand, the complement: TMEM127 is on the minus strand). VCF-style: chr2-96254827-G-A. GRCh37 (hg19) VCF-style: chr2-96920565-G-A.
Other names: c.157+6C>T (NM_001407283.1, NM_001407282.1); c.409+6C>T (NM_001193304.3).
Identifiers: ClinVar variation 5042176 (VCV005042176.1).